The following is an entry in ClinVar:

NM_138459.5(NUS1):c.119_132dup (p.Ser45fs)

Gene: NUS1 (NUS1 dehydrodolichyl diphosphate synthase subunit; plus strand). Cytogenetic location: 6q22.1.
Variant type: Duplication.
Coding change: c.119_132dup on transcript NM_138459.5 (MANE Select); coding-DNA positions 119 to 132, 14 bases duplicated (GCTGCCGCGCCGCC).
Protein change: p.Ser45fs; shifts the reading frame from serine 45.
Molecular consequence: frameshift variant.
Genome position (GRCh38, 1-based): chr6:117,675,789-117,675,802, GCTGCCGCGCCGCC duplicated. VCF-style (leftmost placement, unchanged base first): chr6-117675788-T-TGCTGCCGCGCCGCC. GRCh37 (hg19) VCF-style: chr6-117996951-T-TGCTGCCGCGCCGCC.
Other names: short protein forms S45fs.
Identifiers: ClinVar variation 2866116 (VCV002866116.3), dbSNP rs2481982674, ClinGen allele CA2739266056.

ClinVar aggregate classification (germline): Pathogenic (1 of 4 stars; one submission).

Conditions:
Congenital disorder of glycosylation, type Iaa. Also called: Congenital disorder of glycosylation, type 1aa. Identifiers: MedGen C4310727, MONDO:0014904, OMIM 617082.

Submission:

Labcorp Genetics (formerly Invitae), Labcorp
Classification: Pathogenic for Congenital disorder of glycosylation, type Iaa. Last evaluated: 2023-05-20. Review status: criteria provided, single submitter. Criteria: Invitae Variant Classification Sherloc (09022015). Collection method: clinical testing. Allele origin: germline.
Comment: For these reasons, this variant has been classified as Pathogenic. This variant has not been reported in the literature in individuals affected with NUS1-related conditions. This variant is not present in population databases (gnomAD no frequency). This sequence change creates a premature translational stop signal (p.Ser45Alafs*10) in the NUS1 gene. It is expected to result in an absent or disrupted protein product. Loss-of-function variants in NUS1 are known to be pathogenic (PMID: 29100083).

Literature cited by the submitters: PubMed 29100083.